The following is an entry in ClinVar:

NM_001042492.3(NF1):c.2293del (p.Arg765fs)

Gene: NF1 (neurofibromin 1; plus strand). Cytogenetic location: 17q11.2.
Variant type: Deletion.
Coding change: c.2293del on transcript NM_001042492.3 (MANE Select); coding-DNA position 2293, one base deleted (C; older notation c.2293delC).
Protein change: p.Arg765fs; shifts the reading frame from arginine 765.
Molecular consequence: frameshift variant.
Genome position (GRCh38, 1-based): chr17:31,227,259, C deleted. VCF-style (leftmost placement, unchanged base first): chr17-31227258-GC-G. GRCh37 (hg19) VCF-style: chr17-29554276-GC-G.
Other names: c.2293delC, p.Arg765Alafs (NM_000267.4); c.2293delC (NM_000267.3); short protein forms R765fs.
Identifiers: ClinVar variation 659735 (VCV000659735.36), dbSNP rs1597713360, ClinGen allele CA915949759.

ClinVar aggregate classification (germline): Pathogenic/Likely pathogenic. Review status: criteria provided, multiple submitters, no conflicts (2 of 4 stars). 4 submissions from 4 submitters: Pathogenic (3); Likely pathogenic (1). Last evaluated 2023-12-02.

Conditions:
Hereditary cancer-predisposing syndrome. Also called: Neoplastic Syndromes, Hereditary; Hereditary Cancer Syndrome; Tumor predisposition; Hereditary neoplastic syndrome. Identifiers: Orphanet 140162, MedGen C0027672, MeSH D009386, MONDO:0015356.
Cardiovascular phenotype. Identifiers: MedGen CN230736.
Juvenile myelomonocytic leukemia (JMML). Also called: LEUKEMIA, JUVENILE MYELOMONOCYTIC, SOMATIC. Identifiers: Orphanet 86834, MedGen C0349639, MONDO:0011908, OMIM 607785, HP:0012209.
Neurofibromatosis, type 1 (NF1). Also called: VON RECKLINGHAUSEN DISEASE; NEUROFIBROMATOSIS, TYPE I, SOMATIC; Peripheral type neurofibromatosis; Neurofibromatosis, type I. Identifiers: Orphanet 636, MedGen C0027831, MONDO:0018975, OMIM 162200. Disease mechanism: loss of function.

Submissions (4):

Labcorp Genetics (formerly Invitae), Labcorp
Classification: Pathogenic for Neurofibromatosis, type 1. Last evaluated: 2023-12-02. Review status: criteria provided, single submitter. Criteria: Invitae Variant Classification Sherloc (09022015). Collection method: clinical testing. Allele origin: germline.
Comment: This sequence change creates a premature translational stop signal (p.Arg765Alafs*26) in the NF1 gene. It is expected to result in an absent or disrupted protein product. Loss-of-function variants in NF1 are known to be pathogenic (PMID: 10712197, 23913538). This variant is not present in population databases (gnomAD no frequency). This variant has not been reported in the literature in individuals affected with NF1-related conditions. ClinVar contains an entry for this variant (Variation ID: 659735). For these reasons, this variant has been classified as Pathogenic.

Baylor Genetics
Classification: Likely pathogenic for Juvenile myelomonocytic leukemia. Last evaluated: 2023-11-12. Review status: criteria provided, single submitter. Criteria: ACMG Guidelines, 2015. Collection method: clinical testing. Allele origin: unknown.

Ambry Genetics
Classification: Pathogenic for Cardiovascular phenotype; Hereditary cancer-predisposing syndrome. Last evaluated: 2023-04-24. Review status: criteria provided, single submitter. Criteria: Ambry Variant Classification Scheme 2023. Collection method: clinical testing. Allele origin: germline.
Comment: The c.2293delC pathogenic mutation, located in coding exon 19 of the NF1 gene, results from a deletion of one nucleotide at nucleotide position 2293, causing a translational frameshift with a predicted alternate stop codon (p.R765Afs*26). This alteration is expected to result in loss of function by premature protein truncation or nonsense-mediated mRNA decay. As such, this alteration is interpreted as a disease-causing mutation.

CeGaT Center for Human Genetics Tuebingen
Classification: Pathogenic. Last evaluated: 2022-11-01. Review status: criteria provided, single submitter. Criteria: CeGaT Center For Human Genetics Tuebingen Variant Classification Criteria Version 2. Collection method: clinical testing. Allele origin: germline. Affected: yes. Observed: 1 variant allele.
Comment: NF1: PVS1, PM2

Literature cited by the submitters: PubMed 10712197 (cited by Labcorp Genetics (formerly Invitae), Labcorp); PubMed 23913538 (cited by Labcorp Genetics (formerly Invitae), Labcorp).